The following is an entry in ClinVar:

NM_005458.8(GABBR2):c.48_59del (p.Pro17_Pro20del)

Gene: GABBR2 (gamma-aminobutyric acid type B receptor subunit 2; minus strand). Cytogenetic location: 9q22.33.
Variant type: Deletion.
Coding change: c.48_59del on transcript NM_005458.8 (MANE Select); coding-DNA positions 48 to 59, 12 bases deleted (GCCACCGCCGCC).
Protein change: p.Pro17_Pro20del.
Molecular consequence: inframe deletion.
Genome position (GRCh38, 1-based): chr9:98,708,679-98,708,690, GGCGGCGGTGGC deleted on the plus strand (GCCACCGCCGCC on the coding strand, the reverse complement: GABBR2 is on the minus strand); deleting any 12 consecutive bases within chr9:98,708,679-98,708,698 gives the same sequence; the c. name uses the placement nearest the transcript's 3' end. VCF-style (leftmost placement, unchanged base first): chr9-98708678-GGGCGGCGGTGGC-G. GRCh37 (hg19) VCF-style: chr9-101470960-GGGCGGCGGTGGC-G.
Identifiers: ClinVar variation 1522296 (VCV001522296.8), dbSNP rs1286951382, ClinGen allele CA589582914.
Genomic context (GRCh38, chr9:98,708,678, plus strand): 5'-CCAGGCCCCGGGCGCCAGAGGCAGCAGCAGCGGCAGCAGCAGTAGCAGTAGCAGGCGCGC[GGGCGGCGGTGGC>G]GGCGGCGGCGGCGGCCCGGGCTGCCCGGAGCTCCGCGGGGAAGCCATGCCGCGCCGCGGG-3'

ClinVar aggregate classification (germline): Uncertain significance (1 of 4 stars; one submission).

Conditions:
Epileptic encephalopathy. Identifiers: MedGen C0543888, HP:0200134.

Submission:

Labcorp Genetics (formerly Invitae), Labcorp
Classification: Uncertain significance for Epileptic encephalopathy. Last evaluated: 2023-12-30. Review status: criteria provided, single submitter. Criteria: Invitae Variant Classification Sherloc (09022015). Collection method: clinical testing. Allele origin: germline.
Comment: This variant, c.48_59del, results in the deletion of 4 amino acid(s) of the GABBR2 protein (p.Pro17_Pro20del), but otherwise preserves the integrity of the reading frame. The frequency data for this variant in the population databases is considered unreliable, as metrics indicate poor data quality at this position in the gnomAD database. This variant has not been reported in the literature in individuals affected with GABBR2-related conditions. ClinVar contains an entry for this variant (Variation ID: 1522296). Experimental studies and prediction algorithms are not available or were not evaluated, and the functional significance of this variant is currently unknown. In summary, the available evidence is currently insufficient to determine the role of this variant in disease. Therefore, it has been classified as a Variant of Uncertain Significance.